The following is an entry in ClinVar:

NM_182925.5(FLT4):c.2293G>A (p.Val765Met)

Genes: FLT4 (fms related receptor tyrosine kinase 4; minus strand), LOC126807632 (CDK7 strongly-dependent group 2 enhancer GRCh37_chr5:180046831-180048030; plus strand). Cytogenetic location: 5q35.3.
Variant type: single nucleotide variant.
Coding change: c.2293G>A on transcript NM_182925.5 (MANE Select); coding-DNA position 2293, G replaced by A.
Protein change: p.Val765Met; replaces valine 765 with methionine.
Molecular consequence: missense variant.
Genome position (GRCh38, 1-based): chr5:180,620,882, C>T on the plus strand (G>A on the coding strand, the complement: FLT4 is on the minus strand). VCF-style: chr5-180620882-C-T. GRCh37 (hg19) VCF-style: chr5-180047882-C-T.
Other names: c.2293G>A, p.Val765Met (NM_001354989.2, NM_002020.5); short protein forms V765M.
Identifiers: ClinVar variation 3061399 (VCV003061399.3), dbSNP rs2127813184, ClinGen allele CA362502469.

ClinVar aggregate classification (germline): Uncertain significance (1 of 4 stars; one submission).

Conditions:
FLT4-related disorder. Also called: FLT4-related condition.

Allele frequency attached by ClinVar (database versions not stated): gnomAD exomes below 0.00001.

Submission:

PreventionGenetics, part of Exact Sciences
Classification: Uncertain significance for FLT4-related condition. Last evaluated: 2024-11-25. Review status: criteria provided, single submitter. Criteria: ACMG Guidelines, 2015. Collection method: clinical testing. Allele origin: germline.
Comment: The FLT4 c.2293G>A variant is predicted to result in the amino acid substitution p.Val765Met. To our knowledge, this variant has not been reported in the literature or in a large population database (gnomAD), indicating this variant is rare. At this time, the clinical significance of this variant is uncertain due to the absence of conclusive functional and genetic evidence.